The following is an entry in ClinVar:

NM_144651.5(PXDNL):c.3693-23dup

Gene: PXDNL (peroxidasin like; minus strand). Cytogenetic location: 8q11.22.
Variant type: Duplication.
Coding change: c.3693-23dup on transcript NM_144651.5 (MANE Select); 23 bases into the intron before coding-DNA position 3693, one base duplicated (T; older notation c.3693-23dupT).
Molecular consequence: intron variant.
Genome position (GRCh38, 1-based): chr8:51,372,095, A duplicated on the plus strand (T on the coding strand, the reverse complement: PXDNL is on the minus strand); the first of 10 consecutive A bases (chr8:51,372,095-51,372,104); duplicating any one gives the same sequence. VCF-style (leftmost placement, unchanged base first): chr8-51372094-C-CA. GRCh37 (hg19) VCF-style: chr8-52284654-C-CA.
Identifiers: ClinVar variation 403354 (VCV000403354.4), dbSNP rs5891410, ClinGen allele CA4744719.
Genomic context (GRCh38, chr8:51,372,094, plus strand): 5'-TGAGTGAGTTGTGCCGGGGTAAATACTCCAGGGTTTTCATACCAGAACCTGGTAGTCAAC[C>CA]AAAAAAAAAACATTGTCGTGGGTCTGTGGCCTGAGAACTCAGCTGCATGTCAAACAGCCA-3'

ClinVar aggregate classification (germline): Benign (1 of 4 stars; one submission).

Submission:

Laboratory for Molecular Medicine, Mass General Brigham Personalized Medicine
Classification: Benign. Last evaluated: 2016-03-29. Review status: criteria provided, single submitter. Criteria: LMM Criteria. Collection method: clinical testing. Allele origin: germline.
Comment: Variant identified in a genome or exome case(s) and assessed due to predicted null impact of the variant or pathogenic assertions in the literature or databases. Disclaimer: This variant has not undergone full assessment. The following are preliminary notes: Frequency